The following is an entry in ClinVar:

NM_000237.2:c.528_529insALU

Gene: LPL (lipoprotein lipase; plus strand).
Variant type: Insertion.
Identifiers: ClinVar variation 5023644 (VCV005023644.1).

ClinVar aggregate classification (germline): Likely pathogenic (1 of 4 stars; one submission).

Conditions:
Cardiovascular phenotype. Identifiers: MedGen CN230736.

Submission:

Ambry Genetics
Classification: Likely pathogenic for Cardiovascular phenotype. Last evaluated: 2026-07-29. Review status: criteria provided, single submitter. Criteria: Ambry Variant Classification Scheme 2023. Collection method: clinical testing. Allele origin: germline.
Comment: The c.528_529insAlu likely pathogenic variant results from the insertion of an Alu element between nucleotides 528 and 529 in coding exon 4 of the LPL gene. Mobile element insertions contribute to pathogenicity by either disrupting the coding sequence or inducing aberrant splicing (Belancio VP et al. Semin. Cancer Biol. 2010 Aug;20:200-10; Deininger P et al. Genome Biol. 2011 Dec;12:236; van der Klift HM Hum Mutat. 2012 Jul;33(7):1051-5). Based on the majority of available evidence to date, this variant is likely to be pathogenic.